The following is an entry in ClinVar:

NM_003119.4(SPG7):c.37C>T (p.Arg13Trp)

Genes: SPG7 (SPG7 matrix AAA peptidase subunit, paraplegin; plus strand), LOC130059818 (ATAC-STARR-seq lymphoblastoid silent region 7911; plus strand). Cytogenetic location: 16q24.3.
Variant type: single nucleotide variant.
Coding change: c.37C>T on transcript NM_003119.4 (MANE Select); coding-DNA position 37, C replaced by T.
Protein change: p.Arg13Trp; replaces arginine 13 with tryptophan.
Molecular consequence: missense variant.
Genome position (GRCh38, 1-based): chr16:89,508,454, C>T. VCF-style: chr16-89508454-C-T. GRCh37 (hg19) VCF-style: chr16-89574862-C-T.
Other names: c.37C>T, p.Arg13Trp (NM_001363850.1, NM_199367.3); c.37C>T (NM_003119.2); short protein forms R13W.
Identifiers: ClinVar variation 3669737 (VCV003669737.4).

ClinVar aggregate classification (germline): Uncertain significance. Review status: criteria provided, multiple submitters, no conflicts (2 of 4 stars). 3 submissions from 3 submitters: Uncertain significance (3). Last evaluated 2025-04-21.

Conditions:
Hereditary spastic paraplegia 7 (SPG7). Also called: Spastic paraplegia 7; Hereditary spastic paraplegia Paraplegin type; SPASTIC PARAPLEGIA 7, AUTOSOMAL RECESSIVE, WITH OR WITHOUT CEREBELLAR ATAXIA; Autosomal recessive spastic paraplegia type 7; SPG7-related neurologic disorder. Identifiers: Orphanet 99013, MedGen C1846564, MONDO:0011803, OMIM 607259.

gnomAD v4.1: 31 of 1,504,278 alleles (0.0021%); highest among the groups gnomAD compares: Admixed American, 0.0062%; no homozygotes.

Submissions (3):

GeneDx
Classification: Uncertain significance. Last evaluated: 2025-04-21. Review status: criteria provided, single submitter. Criteria: GeneDx Variant Classification Process June 2021. Collection method: clinical testing. Allele origin: germline. Affected: yes.
Comment: Has not been previously published as pathogenic or benign to our knowledge; In silico analysis indicates that this missense variant does not alter protein structure/function

Labcorp Genetics (formerly Invitae), Labcorp
Classification: Uncertain significance for Hereditary spastic paraplegia 7. Last evaluated: 2024-08-02. Review status: criteria provided, single submitter. Criteria: Invitae Variant Classification Sherloc (09022015). Collection method: clinical testing. Allele origin: germline.
Comment: This sequence change replaces arginine, which is basic and polar, with tryptophan, which is neutral and slightly polar, at codon 13 of the SPG7 protein (p.Arg13Trp). The frequency data for this variant in the population databases is considered unreliable, as metrics indicate poor data quality at this position in the gnomAD database. This variant has not been reported in the literature in individuals affected with SPG7-related conditions. Advanced modeling of protein sequence and biophysical properties (such as structural, functional, and spatial information, amino acid conservation, physicochemical variation, residue mobility, and thermodynamic stability) has been performed at Invitae for this missense variant, however the output from this modeling did not meet the statistical confidence thresholds required to predict the impact of this variant on SPG7 protein function. In summary, the available evidence is currently insufficient to determine the role of this variant in disease. Therefore, it has been classified as a Variant of Uncertain Significance.

Blueprint Genetics
Classification: Uncertain significance. Last evaluated: 2022-03-01. Review status: criteria provided, single submitter. Criteria: ACMG Guidelines, 2015. Collection method: clinical testing. Allele origin: germline.